The following is an entry in ClinVar:

NM_002519.3(NPAT):c.688C>T (p.Arg230Trp)

Gene: NPAT (nuclear protein, coactivator of histone transcription; minus strand). Cytogenetic location: 11q22.3.
Variant type: single nucleotide variant.
Coding change: c.688C>T on transcript NM_002519.3 (MANE Select); coding-DNA position 688, C replaced by T.
Protein change: p.Arg230Trp; replaces arginine 230 with tryptophan.
Molecular consequence: missense variant.
Genome position (GRCh38, 1-based): chr11:108,186,520, G>A on the plus strand (C>T on the coding strand, the complement: NPAT is on the minus strand). VCF-style: chr11-108186520-G-A. GRCh37 (hg19) VCF-style: chr11-108057247-G-A.
Other names: c.688C>T (NM_002519.2); c.688C>T, p.Arg230Trp (NM_001321307.1); short protein forms R230W.
Identifiers: ClinVar variation 3636589 (VCV003636589.3).

ClinVar aggregate classification (germline): Uncertain significance. Review status: criteria provided, multiple submitters, no conflicts (2 of 4 stars). 2 submissions from 2 submitters: Uncertain significance (2). Last evaluated 2025-04-01.

Submissions (2):

Ambry Genetics
Classification: Uncertain significance. Last evaluated: 2025-04-01. Review status: criteria provided, single submitter. Criteria: Ambry Variant Classification Scheme 2023. Collection method: clinical testing. Allele origin: germline.

Labcorp Genetics (formerly Invitae), Labcorp
Classification: Uncertain significance. Last evaluated: 2024-11-14. Review status: criteria provided, single submitter. Criteria: Invitae Variant Classification Sherloc (09022015). Collection method: clinical testing. Allele origin: germline.
Comment: This sequence change replaces arginine, which is basic and polar, with tryptophan, which is neutral and slightly polar, at codon 230 of the NPAT protein (p.Arg230Trp). This variant is present in population databases (rs750853544, gnomAD 0.02%). This variant has not been reported in the literature in individuals affected with NPAT-related conditions. An algorithm developed to predict the effect of missense changes on protein structure and function outputs the following: PolyPhen-2: "Benign". The tryptophan amino acid residue is found in multiple mammalian species, which suggests that this missense change does not adversely affect protein function. In summary, the available evidence is currently insufficient to determine the role of this variant in disease. Therefore, it has been classified as a Variant of Uncertain Significance.